The following is an entry in ClinVar:

ClinVar aggregate classification (germline): Uncertain significance. Review status: criteria provided, multiple submitters, no conflicts (2 of 4 stars). 2 submissions from 2 submitters: Uncertain significance (2). Last evaluated 2025-04-14.

Conditions:
Arrhythmogenic right ventricular dysplasia 13. Also called: Arrhythmogenic right ventricular dysplasia, familial, 13; ARRHYTHMOGENIC RIGHT VENTRICULAR CARDIOMYOPATHY 13. Identifiers: MedGen C3810138, MONDO:0000908, OMIM 615616.

Allele frequency attached by ClinVar (database versions not stated): gnomAD exomes below 0.00001; TOPMed below 0.00001.
gnomAD v4.1: 1 of 1,613,554 alleles (0.000062%); highest among the groups gnomAD compares: Non-Finnish European, 0.000085%; no homozygotes.

Submissions (2):

Ambry Genetics
Classification: Uncertain significance. Last evaluated: 2025-04-14. Review status: criteria provided, single submitter. Criteria: Ambry Variant Classification Scheme 2023. Collection method: clinical testing. Allele origin: germline.
Comment: The p.C709W variant (also known as c.2127T>G), located in coding exon 14 of the CTNNA3 gene, results from a T to G substitution at nucleotide position 2127. The cysteine at codon 709 is replaced by tryptophan, an amino acid with highly dissimilar properties. This amino acid position is conserved. In addition, the in silico prediction for this alteration is inconclusive. Based on the available evidence, the clinical significance of this variant remains unclear.

Labcorp Genetics (formerly Invitae), Labcorp
Classification: Uncertain significance for Arrhythmogenic right ventricular dysplasia 13. Last evaluated: 2022-06-22. Review status: criteria provided, single submitter. Criteria: Invitae Variant Classification Sherloc (09022015). Collection method: clinical testing. Allele origin: germline.
Comment: ClinVar contains an entry for this variant (Variation ID: 849718). In summary, the available evidence is currently insufficient to determine the role of this variant in disease. Therefore, it has been classified as a Variant of Uncertain Significance. Algorithms developed to predict the effect of missense changes on protein structure and function are either unavailable or do not agree on the potential impact of this missense change (SIFT: "Deleterious"; PolyPhen-2: "Not Available"; Align-GVGD: "Class C0"). This variant has not been reported in the literature in individuals affected with CTNNA3-related conditions. This variant is not present in population databases (gnomAD no frequency). This sequence change replaces cysteine, which is neutral and slightly polar, with tryptophan, which is neutral and slightly polar, at codon 709 of the CTNNA3 protein (p.Cys709Trp).

NM_013266.4(CTNNA3):c.2127T>G (p.Cys709Trp)

Gene: CTNNA3 (catenin alpha 3; minus strand). Cytogenetic location: 10q21.3.
Variant type: single nucleotide variant.
Coding change: c.2127T>G on transcript NM_013266.4 (MANE Select); coding-DNA position 2127, T replaced by G.
Protein change: p.Cys709Trp; replaces cysteine 709 with tryptophan.
Molecular consequence: missense variant.
Genome position (GRCh38, 1-based): chr10:66,069,340, A>C on the plus strand (T>G on the coding strand, the complement: CTNNA3 is on the minus strand). VCF-style: chr10-66069340-A-C. GRCh37 (hg19) VCF-style: chr10-67829098-A-C.
Other names: c.2127T>G (NM_013266.2); c.2127T>G, p.Cys709Trp (NM_001127384.3); short protein forms C709W.
Identifiers: ClinVar variation 849718 (VCV000849718.10), dbSNP rs1171326311, ClinGen allele CA377089526.